The following is an entry in ClinVar:

NM_006593.4(TBR1):c.562C>A (p.Pro188Thr)

Gene: TBR1 (T-box brain transcription factor 1; plus strand). Cytogenetic location: 2q24.2.
Variant type: single nucleotide variant.
Coding change: c.562C>A on transcript NM_006593.4 (MANE Select); coding-DNA position 562, C replaced by A.
Protein change: p.Pro188Thr; replaces proline 188 with threonine.
Molecular consequence: missense variant.
Genome position (GRCh38, 1-based): chr2:161,416,972, C>A. VCF-style: chr2-161416972-C-A. GRCh37 (hg19) VCF-style: chr2-162273483-C-A.
Other names: c.562C>A (NM_006593.3); short protein forms P188T.
Identifiers: ClinVar variation 3966194 (VCV003966194.2).

ClinVar aggregate classification (germline): Uncertain significance. Review status: criteria provided, multiple submitters, no conflicts (2 of 4 stars). 2 submissions from 2 submitters: Uncertain significance (2). Last evaluated 2025-03-22.

Conditions:
TBR1-related disorder. Also called: TBR1-related condition.
Inborn genetic diseases. Identifiers: MedGen C0950123, MeSH D030342.

gnomAD v4.1: 6 of 1,614,092 alleles (0.00037%); highest among the groups gnomAD compares: Admixed American, 0.0067%; no homozygotes.

Submissions (2):

Ambry Genetics
Classification: Uncertain significance for Inborn genetic diseases. Last evaluated: 2025-03-22. Review status: criteria provided, single submitter. Criteria: Ambry Variant Classification Scheme 2023. Collection method: clinical testing. Allele origin: germline.

PreventionGenetics, part of Exact Sciences
Classification: Uncertain significance for TBR1-related condition. Last evaluated: 2025-02-09. Review status: criteria provided, single submitter. Criteria: ACMG Guidelines, 2015. Collection method: clinical testing. Allele origin: germline.
Comment: The TBR1 c.562C>A variant is predicted to result in the amino acid substitution p.Pro188Thr. To our knowledge, this variant has not been reported in the literature or in a large population database (gnomAD), indicating this variant is rare. At this time, the clinical significance of this variant is uncertain due to the absence of conclusive functional and genetic evidence.